The following is an entry in ClinVar:

ClinVar aggregate classification (germline): Uncertain significance (1 of 4 stars; one submission).

Conditions:
Neurofibromatosis, type 1 (NF1). Also called: Peripheral type neurofibromatosis; VON RECKLINGHAUSEN DISEASE; Neurofibromatosis, type I; NEUROFIBROMATOSIS, TYPE I, SOMATIC. Identifiers: Orphanet 636, MedGen C0027831, MONDO:0018975, OMIM 162200. Disease mechanism: loss of function.

Submission:

Labcorp Genetics (formerly Invitae), Labcorp
Classification: Uncertain significance for Neurofibromatosis, type 1. Last evaluated: 2024-03-19. Review status: criteria provided, single submitter. Criteria: Invitae Variant Classification Sherloc (09022015). Collection method: clinical testing. Allele origin: germline.
Comment: This sequence change falls in intron 6 of the NF1 gene. It does not directly change the encoded amino acid sequence of the NF1 protein. It affects a nucleotide within the consensus splice site. This variant is not present in population databases (gnomAD no frequency). This variant has not been reported in the literature in individuals affected with NF1-related conditions. Variants that disrupt the consensus splice site are a relatively common cause of aberrant splicing (PMID: 17576681, 9536098). Algorithms developed to predict the effect of sequence changes on RNA splicing suggest that this variant is not likely to affect RNA splicing. In summary, the available evidence is currently insufficient to determine the role of this variant in disease. Therefore, it has been classified as a Variant of Uncertain Significance.

Literature cited by the submitters: PubMed 17576681; PubMed 9536098.

NM_001042492.3(NF1):c.655-3T>A

Gene: NF1 (neurofibromin 1; plus strand). Cytogenetic location: 17q11.2.
Variant type: single nucleotide variant.
Coding change: c.655-3T>A on transcript NM_001042492.3 (MANE Select); 3 bases into the intron before coding-DNA position 655, T replaced by A.
Molecular consequence: intron variant.
Genome position (GRCh38, 1-based): chr17:31,181,707, T>A. VCF-style: chr17-31181707-T-A. GRCh37 (hg19) VCF-style: chr17-29508725-T-A.
Other names: c.655-3T>A (NM_000267.4, NM_001128147.3).
Identifiers: ClinVar variation 3646683 (VCV003646683.2).